The following is an entry in ClinVar:

NM_025179.4(PLXNA2):c.1732-9C>T

Gene: PLXNA2 (plexin A2; minus strand). Cytogenetic location: 1q32.2.
Variant type: single nucleotide variant.
Coding change: c.1732-9C>T on transcript NM_025179.4 (MANE Select); 9 bases into the intron before coding-DNA position 1732, C replaced by T.
Molecular consequence: intron variant.
Genome position (GRCh38, 1-based): chr1:208,096,892, G>A on the plus strand (C>T on the coding strand, the complement: PLXNA2 is on the minus strand). VCF-style: chr1-208096892-G-A. GRCh37 (hg19) VCF-style: chr1-208270237-G-A.
Identifiers: ClinVar variation 3352368 (VCV003352368.2).
Genomic context (GRCh38, chr1:208,096,892, plus strand): 5'-CACAGGCGATACCCGCAGATAGATCAGGAGCATCACTCACTACCAGGCTAAGCTGTGGGA[G>A]GAGCAAAGAGATGATGCCAAAGAAATGCCTCAGGAGACCTGGACTCCAGGTCCAGCCCTG-3'

ClinVar aggregate classification (germline): Likely benign. Review status: criteria provided, single submitter (1 of 4 stars). 2 submissions from 2 submitters: Likely benign (1). 1 of the submissions does not count toward it. Last evaluated 2025-08-29.

Conditions:
PLXNA2-related disorder. Also called: PLXNA2-related condition.

gnomAD v4.1: 46 of 1,611,212 alleles (0.0029%); highest among the groups gnomAD compares: Admixed American, 0.017%; no homozygotes.

Submissions (2):

Labcorp Genetics (formerly Invitae), Labcorp
Classification: Likely benign. Last evaluated: 2025-08-29. Review status: criteria provided, single submitter. Criteria: Invitae Variant Classification Sherloc (09022015). Collection method: clinical testing. Allele origin: germline.

PreventionGenetics, part of Exact Sciences
Classification: Likely benign for PLXNA2-related condition. Last evaluated: 2021-05-21. Review status: no assertion criteria provided. Collection method: clinical testing. Allele origin: germline. Not counted in ClinVar's aggregate classification.
Comment: This variant is classified as likely benign based on ACMG/AMP sequence variant interpretation guidelines (Richards et al. 2015 PMID: 25741868, with internal and published modifications).